The following is an entry in ClinVar:

ClinVar aggregate classification (germline): Likely benign. Review status: criteria provided, multiple submitters, no conflicts (2 of 4 stars). 4 submissions from 3 submitters: Likely benign (4). Last evaluated 2023-11-04.

Conditions:
Usher syndrome type 2A. Also called: RETINAL DISEASE IN USHER SYNDROME TYPE IIA, MODIFIER OF; USHER SYNDROME, TYPE IIA. Identifiers: Orphanet 231178, Orphanet 886, MedGen C1848634, MONDO:0010169, OMIM 276901.
Retinitis pigmentosa 39 (RP39). Identifiers: Orphanet 791, MedGen C3151138, MONDO:0013436, OMIM 613809.

Allele frequency attached by ClinVar (database versions not stated): gnomAD exomes below 0.00001; gnomAD 0.00001; TOPMed 0.00001.
gnomAD v4.1: 4 of 1,614,030 alleles (0.00025%); highest among the groups gnomAD compares: South Asian, 0.0011%; no homozygotes.

Submissions (4):

Genome-Nilou Lab
Classification: Likely benign for Retinitis pigmentosa 39. Last evaluated: 2023-11-04. Review status: criteria provided, single submitter. Criteria: ACMG Guidelines, 2015. Collection method: clinical testing. Allele origin: germline. Affected: no.

Genome-Nilou Lab
Classification: Likely benign for Usher syndrome type 2A. Last evaluated: 2023-11-04. Review status: criteria provided, single submitter. Criteria: ACMG Guidelines, 2015. Collection method: clinical testing. Allele origin: germline. Affected: no.

CeGaT Center for Human Genetics Tuebingen
Classification: Likely benign. Last evaluated: 2022-11-01. Review status: criteria provided, single submitter. Criteria: CeGaT Center For Human Genetics Tuebingen Variant Classification Criteria Version 2. Collection method: clinical testing. Allele origin: germline. Affected: yes. Observed: 1 variant allele.
Comment: USH2A: BP4, BP7

Labcorp Genetics (formerly Invitae), Labcorp
Classification: Likely benign. Last evaluated: 2022-04-23. Review status: criteria provided, single submitter. Criteria: Invitae Variant Classification Sherloc (09022015). Collection method: clinical testing. Allele origin: germline.

NM_206933.4(USH2A):c.3468T>C (p.Tyr1156=)

Genes: USH2A-AS1 (USH2A antisense RNA 1; plus strand), USH2A (usherin; minus strand). Cytogenetic location: 1q41.
Variant type: single nucleotide variant.
Coding change: c.3468T>C on transcript NM_206933.4 (MANE Select); coding-DNA position 3468, T replaced by C.
Protein change: p.Tyr1156=; no amino-acid change (tyrosine 1156 retained).
Molecular consequence: synonymous variant.
Genome position (GRCh38, 1-based): chr1:216,199,970, A>G on the plus strand (T>C on the coding strand, the complement: USH2A is on the minus strand). VCF-style: chr1-216199970-A-G. GRCh37 (hg19) VCF-style: chr1-216373312-A-G.
Other names: c.3468T>C, p.Tyr1156= (NM_007123.6).
Identifiers: ClinVar variation 2137924 (VCV002137924.28), dbSNP rs971867675, ClinGen allele CA37504846.